The following is an entry in ClinVar:

NM_000238.4(KCNH2):c.1339T>C (p.Tyr447His)

Gene: KCNH2 (potassium voltage-gated channel subfamily H member 2; minus strand). Cytogenetic location: 7q36.1.
Variant type: single nucleotide variant.
Coding change: c.1339T>C on transcript NM_000238.4 (MANE Select); coding-DNA position 1339, T replaced by C.
Protein change: p.Tyr447His; replaces tyrosine 447 with histidine.
Molecular consequence: missense variant. On other transcripts: non-coding transcript variant (2).
Genome position (GRCh38, 1-based): chr7:150,952,643, A>G on the plus strand (T>C on the coding strand, the complement: KCNH2 is on the minus strand). VCF-style: chr7-150952643-A-G. GRCh37 (hg19) VCF-style: chr7-150649731-A-G.
Other names: c.319T>C, p.Tyr107His (NM_001204798.2, NM_172057.3); c.1051T>C, p.Tyr351His (NM_001406753.1, NM_001406756.1); c.1162T>C, p.Tyr388His (NM_001406755.1); c.1039T>C, p.Tyr347His (NM_001406757.1); c.1339T>C, p.Tyr447His (NM_172056.3); short protein forms Y107H, Y347H, Y351H, Y388H, Y447H.
Identifiers: ClinVar variation 3075500 (VCV003075500.3), dbSNP rs2486048279, ClinGen allele CA369859958.

ClinVar aggregate classification (germline): Uncertain significance. Review status: criteria provided, multiple submitters, no conflicts (2 of 4 stars). 2 submissions from 2 submitters: Uncertain significance (2). Last evaluated 2024-09-16.

Conditions:
Long QT syndrome (LQTS). Identifiers: MedGen C0023976, MeSH D008133, MONDO:0002442. Disease mechanism: loss of function. Inheritance: Various modes of inheritance.

Submissions (2):

Labcorp Genetics (formerly Invitae), Labcorp
Classification: Uncertain significance for Long QT syndrome. Last evaluated: 2024-09-16. Review status: criteria provided, single submitter. Criteria: Invitae Variant Classification Sherloc (09022015). Collection method: clinical testing. Allele origin: germline.
Comment: This sequence change replaces tyrosine, which is neutral and polar, with histidine, which is basic and polar, at codon 447 of the KCNH2 protein (p.Tyr447His). This variant is not present in population databases (gnomAD no frequency). This variant has not been reported in the literature in individuals affected with KCNH2-related conditions. An algorithm developed to predict the effect of missense changes on protein structure and function (PolyPhen-2) suggests that this variant is likely to be disruptive. In summary, the available evidence is currently insufficient to determine the role of this variant in disease. Therefore, it has been classified as a Variant of Uncertain Significance.

All of Us Research Program, National Institutes of Health
Classification: Uncertain significance for Long QT syndrome. Last evaluated: 2024-02-05. Review status: criteria provided, single submitter. Criteria: ACMG Guidelines, 2015. Collection method: clinical testing. Allele origin: germline. Inheritance: Autosomal dominant inheritance. Observed: 1 variant allele, 1 heterozygote.
Comment: This missense variant replaces tyrosine with histidine at codon 447 of the KCNH2 protein. Computational prediction suggests that this variant may have deleterious impact on protein structure and function (internally defined REVEL score threshold >= 0.7, PMID: 27666373). To our knowledge, functional studies have not been reported for this variant. This variant has not been reported in individuals affected with KCNH2-related disorders in the literature. This variant has not been identified in the general population by the Genome Aggregation Database (gnomAD). The available evidence is insufficient to determine the role of this variant in disease conclusively. Therefore, this variant is classified as a Variant of Uncertain Significance.

This study involves interpretation of variants in research participants for the purpose of population health screening. Participant phenotype was not available at the time of variant classification. Additional details can be found in publication PMID: 35346344, PMCID: PMC8962531